The following is an entry in ClinVar:

NM_001943.5(DSG2):c.828+13C>T

Gene: DSG2 (desmoglein 2; plus strand). Cytogenetic location: 18q12.1.
Variant type: single nucleotide variant.
Coding change: c.828+13C>T on transcript NM_001943.5 (MANE Select); 13 bases into the intron after coding-DNA position 828, C replaced by T.
Molecular consequence: intron variant.
Genome position (GRCh38, 1-based): chr18:31,524,598, C>T. VCF-style: chr18-31524598-C-T. GRCh37 (hg19) VCF-style: chr18-29104561-C-T.
Other names: c.828+13C>T (LRG_397t1).
Identifiers: ClinVar variation 389075 (VCV000389075.8), dbSNP rs180926981, ClinGen allele CA16607923.

ClinVar aggregate classification (germline): Likely benign. Review status: criteria provided, multiple submitters, no conflicts (2 of 4 stars). 2 submissions from 2 submitters: Likely benign (2). Last evaluated 2025-11-21.

Conditions:
Arrhythmogenic right ventricular dysplasia 10. Also called: Arrhythmogenic Right Ventricular Dysplasia/Cardiomyopathy10; Arrhythmogenic right ventricular dysplasia/cardiomyopathy, type 10; ARRHYTHMOGENIC RIGHT VENTRICULAR DYSPLASIA, FAMILIAL, 10. Identifiers: MedGen C1857777, MONDO:0012434, OMIM 610193.

Submissions (2):

Labcorp Genetics (formerly Invitae), Labcorp
Classification: Likely benign for Arrhythmogenic right ventricular dysplasia 10. Last evaluated: 2025-11-21. Review status: criteria provided, single submitter. Criteria: Invitae Variant Classification Sherloc (09022015). Collection method: clinical testing. Allele origin: germline.

GeneDx
Classification: Likely benign. Last evaluated: 2016-09-02. Review status: criteria provided, single submitter. Criteria: GeneDx Variant Classification (06012015). Collection method: clinical testing. Allele origin: germline. Affected: yes.
Comment: This variant is considered likely benign or benign based on one or more of the following criteria: it is a conservative change, it occurs at a poorly conserved position in the protein, it is predicted to be benign by multiple in silico algorithms, and/or has population frequency not consistent with disease.